The following is an entry in ClinVar:

NM_002772.3(TMPRSS15):c.1550C>T (p.Pro517Leu)

Gene: TMPRSS15 (transmembrane serine protease 15; minus strand). Cytogenetic location: 21q21.1.
Variant type: single nucleotide variant.
Coding change: c.1550C>T on transcript NM_002772.3 (MANE Select); coding-DNA position 1550, C replaced by T.
Protein change: p.Pro517Leu; replaces proline 517 with leucine.
Molecular consequence: missense variant.
Genome position (GRCh38, 1-based): chr21:18,341,427, G>A on the plus strand (C>T on the coding strand, the complement: TMPRSS15 is on the minus strand). VCF-style: chr21-18341427-G-A. GRCh37 (hg19) VCF-style: chr21-19713744-G-A.
Other names: c.1685C>T, p.Pro562Leu (NM_001428056.1); c.1550C>T, p.Pro517Leu (NM_001428057.1); short protein forms P517L, P562L.
Identifiers: ClinVar variation 4748068 (VCV004748068.1).
Genomic context (GRCh38, chr21:18,341,427, plus strand): 5'-GACGTTAATGATTTAATAAGACAAAATACACATGAAGGTTACTTACTAGGAAGTTCTGGT[G>A]GAGGAGTTGGCACCAAAGTTGGTTCTGGATAAAGACTCCCATTGCAAATCCCATATGTTA-3'
Protein context (NP_002763.3, residues 507-527): YPEPTLVPTP[Pro517Leu]PELPTDCGGP

ClinVar aggregate classification (germline): Uncertain significance (1 of 4 stars; one submission).

gnomAD v4.1: 2 of 1,614,136 alleles (0.00012%); highest among the groups gnomAD compares: Non-Finnish European, 0.00017%; no homozygotes.

Submission:

Labcorp Genetics (formerly Invitae), Labcorp
Classification: Uncertain significance. Last evaluated: 2025-08-04. Review status: criteria provided, single submitter. Criteria: Invitae Variant Classification Sherloc (09022015). Collection method: clinical testing. Allele origin: germline.
Comment: This sequence change replaces proline, which is neutral and non-polar, with leucine, which is neutral and non-polar, at codon 517 of the TMPRSS15 protein (p.Pro517Leu). This variant is present in population databases (rs368823859, gnomAD 0.002%). This variant has not been reported in the literature in individuals affected with TMPRSS15-related conditions. An algorithm developed to predict the effect of missense changes on protein structure and function outputs the following: PolyPhen-2: "Benign". The leucine amino acid residue is found in multiple mammalian species, which suggests that this missense change does not adversely affect protein function. In summary, the available evidence is currently insufficient to determine the role of this variant in disease. Therefore, it has been classified as a Variant of Uncertain Significance.